The following is an entry in ClinVar:

ClinVar aggregate classification (germline): Uncertain significance (1 of 4 stars; one submission).

gnomAD v4.1: 52 of 1,610,420 alleles (0.0032%); highest among the groups gnomAD compares: African/African-American, 0.067%; no homozygotes.

Submission:

Mayo Clinic Laboratories, Mayo Clinic
Classification: Uncertain significance. Last evaluated: 2025-06-23. Review status: criteria provided, single submitter. Criteria: ACMG Guidelines, 2015. Collection method: clinical testing. Allele origin: germline. Observed: 1 variant allele.
Comment: BP4_moderate

NM_001994.3(F13B):c.70C>A (p.Pro24Thr)

Gene: F13B (coagulation factor XIII B chain; minus strand). Cytogenetic location: 1q31.3.
Variant type: single nucleotide variant.
Coding change: c.70C>A on transcript NM_001994.3 (MANE Select); coding-DNA position 70, C replaced by A.
Protein change: p.Pro24Thr; replaces proline 24 with threonine.
Molecular consequence: missense variant.
Genome position (GRCh38, 1-based): chr1:197,063,052, G>T on the plus strand (C>A on the coding strand, the complement: F13B is on the minus strand). VCF-style: chr1-197063052-G-T. GRCh37 (hg19) VCF-style: chr1-197032182-G-T.
Other names: p.Pro24Thr; short protein forms P24T.
Identifiers: ClinVar variation 4542134 (VCV004542134.1).